The following is an entry in ClinVar:

NM_016366.3(CABP2):c.299G>T (p.Cys100Phe)

Gene: CABP2 (calcium binding protein 2; minus strand). Cytogenetic location: 11q13.2.
Variant type: single nucleotide variant.
Coding change: c.299G>T on transcript NM_016366.3 (MANE Select); coding-DNA position 299, G replaced by T.
Protein change: p.Cys100Phe; replaces cysteine 100 with phenylalanine.
Molecular consequence: missense variant.
Genome position (GRCh38, 1-based): chr11:67,521,105, C>A on the plus strand (G>T on the coding strand, the complement: CABP2 is on the minus strand). VCF-style: chr11-67521105-C-A. GRCh37 (hg19) VCF-style: chr11-67288576-C-A.
Other names: c.317G>T, p.Cys106Phe (NM_001318496.2); short protein forms C100F, C106F.
Identifiers: ClinVar variation 1328858 (VCV001328858.6), dbSNP rs201625554, ClinGen allele CA6142507.
Genomic context (GRCh38, chr11:67,521,105, plus strand): 5'-ATGAGCTCCATCTCGGTGGGCATGTAGCCCAGGGTCCGCATGCAGGCACCCAGCTCCCGG[C>A]AGCCAATGTAGCCGTCCCGGTCTCGGTCAAACTCCTGGAAGGCGACCTGCAGCTCTGCCA-3'
Protein context (NP_057450.2, residues 90-110): FDRDRDGYIG[Cys100Phe]RELGACMRTL

ClinVar aggregate classification (germline): Uncertain significance. Review status: criteria provided, multiple submitters, no conflicts (2 of 4 stars). 2 submissions from 2 submitters: Uncertain significance (2). Last evaluated 2026-08-25.

Conditions:
Inborn genetic diseases. Identifiers: MedGen C0950123, MeSH D030342.

Allele frequency attached by ClinVar (database versions not stated): gnomAD 0.00003 and 0.00002; 1000 Genomes Project 30x 0.00031; TOPMed 0.00005; 1000 Genomes Project 0.00020.
gnomAD v4.1: 51 of 1,613,826 alleles (0.0032%); highest among the groups gnomAD compares: Admixed American, 0.022%; no homozygotes.

Submissions (2):

GeneDx
Classification: Uncertain significance. Last evaluated: 2026-08-25. Review status: criteria provided, single submitter. Criteria: GeneDx Variant Classification Process June 2021. Collection method: clinical testing. Allele origin: germline.
Comment: In silico analysis suggests that this missense variant does not alter protein structure/function; Has not been previously published as pathogenic or benign to our knowledge

Ambry Genetics
Classification: Uncertain significance for Inborn genetic diseases. Last evaluated: 2021-07-09. Review status: criteria provided, single submitter. Criteria: Ambry Variant Classification Scheme 2023. Collection method: clinical testing. Allele origin: germline.